The following is an entry in ClinVar:

NM_006922.4(SCN3A):c.774G>C (p.Leu258=)

Gene: SCN3A (sodium voltage-gated channel alpha subunit 3; minus strand). Cytogenetic location: 2q24.3.
Variant type: single nucleotide variant.
Coding change: c.774G>C on transcript NM_006922.4 (MANE Select); coding-DNA position 774, G replaced by C.
Protein change: p.Leu258=; no amino-acid change (leucine 258 retained).
Molecular consequence: synonymous variant.
Genome position (GRCh38, 1-based): chr2:165,162,749, C>G on the plus strand (G>C on the coding strand, the complement: SCN3A is on the minus strand). VCF-style: chr2-165162749-C-G. GRCh37 (hg19) VCF-style: chr2-166019259-C-G.
Other names: c.774G>C, p.Leu258= (NM_001081676.2, NM_001081677.2).
Identifiers: ClinVar variation 1050255 (VCV001050255.1), dbSNP rs762025399, ClinGen allele CA429990524.

ClinVar aggregate classification (germline): Uncertain significance (0 of 4 stars; one submission).

gnomAD v4.1: 1 of 1,614,130 alleles (0.000062%); highest among the groups gnomAD compares: Non-Finnish European, 0.000085%; no homozygotes.

Submission:

Department of Pathology and Laboratory Medicine, Sinai Health System
Classification: Uncertain significance. Review status: no assertion criteria provided. Collection method: clinical testing. Allele origin: unknown. Affected: yes. Study: The Canadian Open Genetics Repository (COGR).
Comment: The SCN3A p.Leu258Leu variant was not identified in the literature nor was it identified in dbSNP, ClinVar or LOVD 3.0. The variant was identified in Cosmic (FATHMM predicted pathogenic; score=0.80) but was not identified in the following control databases: the 1000 Genomes Project, the NHLBI GO Exome Sequencing Project, the Exome Aggregation Consortium (August 8th 2016), or the Genome Aggregation Database (Feb 27, 2017). The p.Leu258Leu variant is not expected to have clinical significance because it does not result in a change of amino acid and is not located in a known consensus splice site. The variant occurs outside of the splicing consensus sequence however 4 of 4 in silico or computational prediction software programs (SpliceSiteFinder, MaxEntScan, NNSPLICE, GeneSplicer) predict a greater than 10% difference in splicing and the creation of a new 3' splice site. However, this information is not predictive enough to assume pathogenicity. In summary, based on the above information the clinical significance of this variant cannot be determined with certainty at this time. This variant is classified as a variant of uncertain significance.